The following is an entry in ClinVar:

NM_001163435.3(TBCK):c.812A>G (p.Lys271Arg)

Gene: TBCK (TBC1 domain containing kinase; minus strand). Cytogenetic location: 4q24.
Variant type: single nucleotide variant.
Coding change: c.812A>G on transcript NM_001163435.3 (MANE Select); coding-DNA position 812, A replaced by G.
Protein change: p.Lys271Arg; replaces lysine 271 with arginine.
Molecular consequence: missense variant.
Genome position (GRCh38, 1-based): chr4:106,247,258, T>C on the plus strand (A>G on the coding strand, the complement: TBCK is on the minus strand). VCF-style: chr4-106247258-T-C. GRCh37 (hg19) VCF-style: chr4-107168415-T-C.
Other names: c.812A>G (NM_001163435.1); c.812A>G, p.Lys271Arg (NM_001163436.4); c.695A>G, p.Lys232Arg (NM_001163437.3); c.296A>G, p.Lys99Arg (NM_001290768.2); c.623A>G, p.Lys208Arg (NM_033115.5); short protein forms K208R, K99R, K271R, K232R.
Identifiers: ClinVar variation 1463210 (VCV001463210.6), dbSNP rs776580685, ClinGen allele CA3035280.
Genomic context (GRCh38, chr4:106,247,258, plus strand): 5'-GAAAACAGACTGGCAGGTTTGGTAAAGGGGGTATATAAAGGTGATACCTCACTGAATACT[T>C]TGTCCTTCATTAATTGATCTGGGGTTGGCCTTGAGAACATTTAAAATACAGAGCATGAAT-3'
Protein context (NP_001156907.2, residues 261-281): RPTPDQLMKD[Lys271Arg]VFSEVSPLYT

ClinVar aggregate classification (germline): Uncertain significance. Review status: criteria provided, multiple submitters, no conflicts (2 of 4 stars). 3 submissions from 3 submitters: Uncertain significance (3). Last evaluated 2025-08-12.

Conditions:
Inborn genetic diseases. Identifiers: MedGen C0950123, MeSH D030342.

Allele frequency attached by ClinVar (database versions not stated): TOPMed 0.00003; gnomAD exomes 0.00006 and 0.00012; ExAC 0.00008; gnomAD 0.00010 and 0.00011.
gnomAD v4.1: 97 of 1,612,218 alleles (0.006%); highest among the groups gnomAD compares: Middle Eastern, 0.066%; no homozygotes.

Submissions (3):

Ambry Genetics
Classification: Uncertain significance for Inborn genetic diseases. Last evaluated: 2025-08-12. Review status: criteria provided, single submitter. Criteria: Ambry Variant Classification Scheme 2023. Collection method: clinical testing. Allele origin: germline.

Blueprint Genetics
Classification: Uncertain significance. Last evaluated: 2024-08-01. Review status: criteria provided, single submitter. Criteria: ACMG Guidelines, 2015. Collection method: clinical testing. Allele origin: germline.

Labcorp Genetics (formerly Invitae), Labcorp
Classification: Uncertain significance. Last evaluated: 2022-08-31. Review status: criteria provided, single submitter. Criteria: Invitae Variant Classification Sherloc (09022015). Collection method: clinical testing. Allele origin: germline.
Comment: This sequence change replaces lysine, which is basic and polar, with arginine, which is basic and polar, at codon 271 of the TBCK protein (p.Lys271Arg). This variant is present in population databases (rs776580685, gnomAD 0.08%). This variant has not been reported in the literature in individuals affected with TBCK-related conditions. ClinVar contains an entry for this variant (Variation ID: 1463210). Algorithms developed to predict the effect of missense changes on protein structure and function (SIFT, PolyPhen-2, Align-GVGD) all suggest that this variant is likely to be tolerated. In summary, the available evidence is currently insufficient to determine the role of this variant in disease. Therefore, it has been classified as a Variant of Uncertain Significance.